The following is an entry in ClinVar:

ClinVar aggregate classification (germline): Uncertain significance (1 of 4 stars; one submission).

Conditions:
Mitochondrial hypertrophic cardiomyopathy with lactic acidosis due to MTO1 deficiency. Also called: Combined oxidative phosphorylation deficiency 10; CARDIOMYOPATHY, INFANTILE HYPERTROPHIC MITOCHONDRIAL, AND LACTIC ACIDOSIS. Identifiers: Orphanet 314637, MedGen C4749921, MONDO:0013865, OMIM 614702.

Allele frequency attached by ClinVar (database versions not stated): gnomAD exomes 0.00001.
gnomAD v4.1: 6 of 1,613,746 alleles (0.00037%); highest among the groups gnomAD compares: Non-Finnish European, 0.00025%; no homozygotes.

Submission:

Labcorp Genetics (formerly Invitae), Labcorp
Classification: Uncertain significance for Combined oxidative phosphorylation deficiency 10. Last evaluated: 2019-05-04. Review status: criteria provided, single submitter. Criteria: Invitae Variant Classification Sherloc (09022015). Collection method: clinical testing. Allele origin: germline.
Comment: This sequence change replaces serine with phenylalanine at codon 623 of the MTO1 protein (p.Ser623Phe). The serine residue is highly conserved and there is a large physicochemical difference between serine and phenylalanine. This variant is not present in population databases (ExAC no frequency). This variant has not been reported in the literature in individuals with MTO1-related conditions. Algorithms developed to predict the effect of missense changes on protein structure and function (SIFT, PolyPhen-2, Align-GVGD) all suggest that this variant is likely to be disruptive, but these predictions have not been confirmed by published functional studies and their clinical significance is uncertain. In summary, the available evidence is currently insufficient to determine the role of this variant in disease. Therefore, it has been classified as a Variant of Uncertain Significance.

NM_012123.4(MTO1):c.1868C>T (p.Ser623Phe)

Gene: MTO1 (mitochondrial tRNA translation optimization 1; plus strand). Cytogenetic location: 6q13.
Variant type: single nucleotide variant.
Coding change: c.1868C>T on transcript NM_012123.4 (MANE Select); coding-DNA position 1868, C replaced by T.
Protein change: p.Ser623Phe; replaces serine 623 with phenylalanine.
Molecular consequence: missense variant.
Genome position (GRCh38, 1-based): chr6:73,497,847, C>T. VCF-style: chr6-73497847-C-T. GRCh37 (hg19) VCF-style: chr6-74207570-C-T.
Other names: c.1988C>T, p.Ser663Phe (NM_001123226.2); c.1943C>T, p.Ser648Phe (NM_133645.3); short protein forms S663F, S623F, S648F.
Identifiers: ClinVar variation 859840 (VCV000859840.1), dbSNP rs1772032922, ClinGen allele CA364701159.